The following is an entry in ClinVar:

ClinVar aggregate classification (germline): Likely benign (0 of 4 stars; one submission).

Conditions:
SLITRK6-related disorder. Also called: SLITRK6-related condition.

Allele frequency attached by ClinVar (database versions not stated): ESP Exome Variant Server 0.00024.
gnomAD v4.1: 3 of 1,612,978 alleles (0.00019%); highest among the groups gnomAD compares: African/African-American, 0.0027%; no homozygotes.

Submission:

PreventionGenetics, part of Exact Sciences
Classification: Likely benign for SLITRK6-related condition. Last evaluated: 2019-03-22. Review status: no assertion criteria provided. Collection method: clinical testing. Allele origin: germline.
Comment: This variant is classified as likely benign based on ACMG/AMP sequence variant interpretation guidelines (Richards et al. 2015 PMID: 25741868, with internal and published modifications).

NM_032229.3(SLITRK6):c.1629C>T (p.Asp543=)

Gene: SLITRK6 (SLIT and NTRK like family member 6; minus strand). Cytogenetic location: 13q31.1.
Variant type: single nucleotide variant.
Coding change: c.1629C>T on transcript NM_032229.3 (MANE Select); coding-DNA position 1629, C replaced by T.
Protein change: p.Asp543=; no amino-acid change (aspartic acid 543 retained).
Molecular consequence: synonymous variant.
Genome position (GRCh38, 1-based): chr13:85,794,880, G>A on the plus strand (C>T on the coding strand, the complement: SLITRK6 is on the minus strand). VCF-style: chr13-85794880-G-A. GRCh37 (hg19) VCF-style: chr13-86369015-G-A.
Identifiers: ClinVar variation 3046874 (VCV003046874.2), dbSNP rs375655378, ClinGen allele CA7015067.